The following is an entry in ClinVar:

NM_007194.4(CHEK2):c.1009T>G (p.Tyr337Asp)

Gene: CHEK2 (checkpoint kinase 2; minus strand). Cytogenetic location: 22q12.1.
Variant type: single nucleotide variant.
Coding change: c.1009T>G on transcript NM_007194.4 (MANE Select); coding-DNA position 1009, T replaced by G.
Protein change: p.Tyr337Asp; replaces tyrosine 337 with aspartic acid.
Molecular consequence: missense variant. On other transcripts: intron variant (3).
Genome position (GRCh38, 1-based): chr22:28,696,987, A>C on the plus strand (T>G on the coding strand, the complement: CHEK2 is on the minus strand). VCF-style: chr22-28696987-A-C. GRCh37 (hg19) VCF-style: chr22-29092975-A-C.
Other names: c.1138T>G, p.Tyr380Asp (NM_001005735.3); c.346T>G, p.Tyr116Asp (NM_001257387.3, NM_001437942.1); c.808T>G, p.Tyr270Asp (NM_001349956.3); c.1102T>G, p.Tyr368Asp (NM_001438293.1); c.1009-1114T>G (NM_145862.3); c.1102-1114T>G (NM_001438295.1); c.1138-1114T>G (NM_001438294.1); short protein forms Y337D, Y380D, Y116D, Y270D, Y368D.
Identifiers: ClinVar variation 2890525 (VCV002890525.3), dbSNP rs2052615357, ClinGen allele CA411097860.

ClinVar aggregate classification (germline): Uncertain significance (1 of 4 stars; one submission).

Conditions:
Familial cancer of breast. Also called: hereditary breast carcinoma; BREAST CANCER, FAMILIAL; Hereditary breast cancer. Identifiers: Orphanet 227535, MedGen C0346153, MONDO:0016419, OMIM 114480. Disease mechanism: loss of function.

Submission:

Labcorp Genetics (formerly Invitae), Labcorp
Classification: Uncertain significance for Familial cancer of breast. Last evaluated: 2023-03-11. Review status: criteria provided, single submitter. Criteria: Invitae Variant Classification Sherloc (09022015). Collection method: clinical testing. Allele origin: germline.
Comment: In summary, the available evidence is currently insufficient to determine the role of this variant in disease. Therefore, it has been classified as a Variant of Uncertain Significance. Algorithms developed to predict the effect of sequence changes on RNA splicing suggest that this variant may disrupt the consensus splice site. An algorithm developed to predict the effect of missense changes on protein structure and function (PolyPhen-2) suggests that this variant is likely to be disruptive. This variant has not been reported in the literature in individuals affected with CHEK2-related conditions. This variant is not present in population databases (gnomAD no frequency). This sequence change replaces tyrosine, which is neutral and polar, with aspartic acid, which is acidic and polar, at codon 337 of the CHEK2 protein (p.Tyr337Asp).